The following is an entry in ClinVar:

NM_001353921.2(ARHGEF9):c.476T>C (p.Ile159Thr)

Gene: ARHGEF9 (Cdc42 guanine nucleotide exchange factor 9; minus strand). Cytogenetic location: Xq11.1.
Variant type: single nucleotide variant.
Coding change: c.476T>C on transcript NM_001353921.2 (MANE Select); coding-DNA position 476, T replaced by C.
Protein change: p.Ile159Thr; replaces isoleucine 159 with threonine.
Molecular consequence: missense variant.
Genome position (GRCh38, 1-based): chrX:63,697,231, A>G on the plus strand (T>C on the coding strand, the complement: ARHGEF9 is on the minus strand). VCF-style: chrX-63697231-A-G. GRCh37 (hg19) VCF-style: chrX-62917111-A-G.
Other names: c.296T>C, p.Ile99Thr (NM_001173479.2); c.149T>C, p.Ile50Thr (NM_001173480.2, NM_001369042.1); c.392T>C, p.Ile131Thr (NM_001330495.2, NM_001353927.2, NM_001369033.1 and 8 more transcripts); c.476T>C, p.Ile159Thr (NM_001353922.2); c.494T>C, p.Ile165Thr (NM_001353923.1); c.275T>C, p.Ile92Thr (NM_001353924.2, NM_001353926.2, NM_001369039.1 and 1 more transcripts); c.455T>C, p.Ile152Thr (NM_001353928.2, NM_001369030.1, NM_001369031.1 and 2 more transcripts); c.41T>C, p.Ile14Thr (NM_001369045.1); short protein forms I14T, I131T, I165T, I99T, I152T, I159T, I50T, I92T.
Identifiers: ClinVar variation 2693964 (VCV002693964.3), dbSNP rs2519843721, ClinGen allele CA413407069.
Genomic context (GRCh38, chrX:63,697,231, plus strand): 5'-TTGTTATACTGTTTCTCCAGGTCTCTCACAAAGCCCATCTGAAATCTGTAGATATCTTCA[A>G]TGTTCCCAAAGATTACCTTCAGTTGCTCGTCACTGAACATGTCCCTTCTCTTCCGGCACT-3'
Protein context (NP_001340850.1, residues 149-169): DEQLKVIFGN[Ile159Thr]EDIYRFQMGF

ClinVar aggregate classification (germline): Uncertain significance (1 of 4 stars; one submission).

Conditions:
Developmental and epileptic encephalopathy, 8 (DEE8). Also called: HYPEREKPLEXIA AND EPILEPSY. Identifiers: Orphanet 163985, Orphanet 2076, MedGen C1845102, MONDO:0010375, OMIM 300607.

Allele frequency attached by ClinVar (database versions not stated): gnomAD exomes below 0.00001.
gnomAD v4.1: 1 of 1,210,600 alleles (0.000083%); highest among the groups gnomAD compares: African/African-American, 0.0017%; no homozygotes.

Submission:

Labcorp Genetics (formerly Invitae), Labcorp
Classification: Uncertain significance for Developmental and epileptic encephalopathy, 8. Last evaluated: 2023-11-07. Review status: criteria provided, single submitter. Criteria: Invitae Variant Classification Sherloc (09022015). Collection method: clinical testing. Allele origin: germline.
Comment: This sequence change replaces isoleucine, which is neutral and non-polar, with threonine, which is neutral and polar, at codon 152 of the ARHGEF9 protein (p.Ile152Thr). This variant is not present in population databases (gnomAD no frequency). This variant has not been reported in the literature in individuals affected with ARHGEF9-related conditions. Advanced modeling of protein sequence and biophysical properties (such as structural, functional, and spatial information, amino acid conservation, physicochemical variation, residue mobility, and thermodynamic stability) has been performed at Invitae for this missense variant, however the output from this modeling did not meet the statistical confidence thresholds required to predict the impact of this variant on ARHGEF9 protein function. In summary, the available evidence is currently insufficient to determine the role of this variant in disease. Therefore, it has been classified as a Variant of Uncertain Significance.